The following is an entry in ClinVar:

NM_001385012.1(NBEA):c.5366+4G>A

Gene: NBEA (neurobeachin; plus strand). Cytogenetic location: 13q13.3.
Variant type: single nucleotide variant.
Coding change: c.5366+4G>A on transcript NM_001385012.1 (MANE Select); 4 bases into the intron after coding-DNA position 5366, G replaced by A.
Molecular consequence: intron variant.
Genome position (GRCh38, 1-based): chr13:35,196,306, G>A. VCF-style: chr13-35196306-G-A. GRCh37 (hg19) VCF-style: chr13-35770443-G-A.
Other names: c.5366+4G>A (NM_015678.5); c.5357+4G>A (NM_001379245.1).
Identifiers: ClinVar variation 1683353 (VCV001683353.1), dbSNP rs745512250, ClinGen allele CA248086971.

ClinVar aggregate classification (germline): Uncertain significance (1 of 4 stars; one submission).

Allele frequency attached by ClinVar (database versions not stated): gnomAD exomes below 0.00001 and 0.00003; gnomAD 0.00001.
gnomAD v4.1: 45 of 1,597,104 alleles (0.0028%); highest among the groups gnomAD compares: Non-Finnish European, 0.0038%; no homozygotes.

Submission:

Women's Health and Genetics/Laboratory Corporation of America, LabCorp
Classification: Uncertain significance. Last evaluated: 2022-04-08. Review status: criteria provided, single submitter. Criteria: LabCorp Variant Classification Summary - May 2015. Collection method: clinical testing. Allele origin: germline.
Comment: Variant summary: NBEA c.5366+4G>A alters a conserved nucleotide located close to a canonical splice site and therefore could affect mRNA splicing, leading to a significantly altered protein sequence. 4/4 computational tools predict no significant impact on normal splicing. However, these predictions have yet to be confirmed by functional studies. The variant allele was found at a frequency of 4.2e-06 in 235936 control chromosomes. The available data on variant occurrences in the general population are insufficient to allow any conclusion about variant significance. To our knowledge, no occurrence of c.5366+4G>A in individuals affected with Neurodevelopmental Disorder With Or Without Early-Onset Generalized Epilepsy and no experimental evidence demonstrating its impact on protein function have been reported. No clinical diagnostic laboratories have submitted clinical-significance assessments for this variant to ClinVar after 2014. Based on the evidence outlined above, the variant was classified as uncertain significance.